The following is an entry in ClinVar:

NM_001042492.3(NF1):c.720T>C (p.Thr240=)

Gene: NF1 (neurofibromin 1; plus strand). Cytogenetic location: 17q11.2.
Variant type: single nucleotide variant.
Coding change: c.720T>C on transcript NM_001042492.3 (MANE Select); coding-DNA position 720, T replaced by C.
Protein change: p.Thr240=; no amino-acid change (threonine 240 retained).
Molecular consequence: synonymous variant.
Genome position (GRCh38, 1-based): chr17:31,181,775, T>C. VCF-style: chr17-31181775-T-C. GRCh37 (hg19) VCF-style: chr17-29508793-T-C.
Other names: c.720T>C, p.Thr240= (NM_000267.4, NM_001128147.3).
Identifiers: ClinVar variation 527616 (VCV000527616.16), dbSNP rs1555608761, ClinGen allele CA499207744.

ClinVar aggregate classification (germline): Benign/Likely benign. Review status: criteria provided, multiple submitters, no conflicts (2 of 4 stars). 4 submissions from 4 submitters: Benign (1); Likely benign (3). Last evaluated 2026-09-23.

Conditions:
Cardiovascular phenotype. Identifiers: MedGen CN230736.
Hereditary cancer-predisposing syndrome. Also called: Tumor predisposition; Neoplastic Syndromes, Hereditary; Hereditary Cancer Syndrome; Hereditary neoplastic syndrome. Identifiers: Orphanet 140162, MedGen C0027672, MeSH D009386, MONDO:0015356.
Neurofibromatosis, type 1 (NF1). Also called: NEUROFIBROMATOSIS, TYPE I, SOMATIC; Peripheral type neurofibromatosis; VON RECKLINGHAUSEN DISEASE; Neurofibromatosis, type I. Identifiers: Orphanet 636, MedGen C0027831, MONDO:0018975, OMIM 162200. Disease mechanism: loss of function.

Submissions (4):

Myriad Genetics, Inc.
Classification: Benign for Neurofibromatosis, type 1. Last evaluated: 2026-09-23. Review status: criteria provided, single submitter. Criteria: Myriad Autosomal Dominant, Autosomal Recessive and X-Linked Classification Criteria (2023). Collection method: clinical testing. Allele origin: unknown.
Comment: This variant is considered benign. This variant is a silent/synonymous amino acid change and it is not expected to impact splicing.

Labcorp Genetics (formerly Invitae), Labcorp
Classification: Likely benign for Neurofibromatosis, type 1. Last evaluated: 2025-11-18. Review status: criteria provided, single submitter. Criteria: Invitae Variant Classification Sherloc (09022015). Collection method: clinical testing. Allele origin: germline.

Genome-Nilou Lab
Classification: Likely benign for Neurofibromatosis, type 1. Last evaluated: 2022-03-15. Review status: criteria provided, single submitter. Criteria: ACMG Guidelines, 2015. Collection method: clinical testing. Allele origin: germline. Affected: no.

Ambry Genetics
Classification: Likely benign for Cardiovascular phenotype; Hereditary cancer-predisposing syndrome. Last evaluated: 2017-12-18. Review status: criteria provided, single submitter. Criteria: Ambry Variant Classification Scheme 2023. Collection method: clinical testing. Allele origin: germline.